The following is an entry in ClinVar:

ClinVar aggregate classification (germline): Likely benign (1 of 4 stars; one submission).

Allele frequency attached by ClinVar (database versions not stated): gnomAD exomes 0.00001.
gnomAD v4.1: 6 of 1,614,168 alleles (0.00037%); highest among the groups gnomAD compares: African/African-American, 0.0013%; no homozygotes.

Submission:

CeGaT Center for Human Genetics Tuebingen
Classification: Likely benign. Last evaluated: 2026-05-01. Review status: criteria provided, single submitter. Criteria: CeGaT Center For Human Genetics Tuebingen Variant Classification Criteria Version 2. Collection method: clinical testing. Allele origin: germline. Affected: yes. Observed: 2 variant alleles.
Comment: MACF1: BP4

NM_001394062.1(MACF1):c.7319T>C (p.Ile2440Thr)

Gene: MACF1 (microtubule actin crosslinking factor 1; plus strand). Cytogenetic location: 1p34.3.
Variant type: single nucleotide variant.
Coding change: c.7319T>C on transcript NM_001394062.1 (MANE Select); coding-DNA position 7319, T replaced by C.
Protein change: p.Ile2440Thr; replaces isoleucine 2440 with threonine.
Molecular consequence: missense variant. On other transcripts: intron variant (1).
Genome position (GRCh38, 1-based): chr1:39,333,907, T>C. VCF-style: chr1-39333907-T-C. GRCh37 (hg19) VCF-style: chr1-39799579-T-C.
Other names: c.4629+6554T>C (NM_012090.5); short protein forms I2440T.
Identifiers: ClinVar variation 2672335 (VCV002672335.23), dbSNP rs2522032215, ClinGen allele CA339777704.